The following is an entry in ClinVar:

ClinVar aggregate classification (germline): Conflicting classifications of pathogenicity. Review status: criteria provided, conflicting classifications (1 of 4 stars). 4 submissions from 4 submitters: Uncertain significance (1); Likely benign (2). 1 of the submissions does not count toward it. Last evaluated 2026-01-19.

Conditions:
EGF-related disorder. Also called: EGF-related condition.
Renal hypomagnesemia 4. Also called: HYPOMAGNESEMIA, RENAL, NORMOCALCIURIC. Identifiers: Orphanet 34527, MedGen C2673648, MONDO:0012717, OMIM 611718.

Allele frequency attached by ClinVar (database versions not stated): gnomAD exomes 0.00004 and 0.00015; ESP Exome Variant Server 0.00008; gnomAD 0.00015; ExAC 0.00018; TOPMed 0.00018; 1000 Genomes Project 30x 0.00031; 1000 Genomes Project 0.00040.
gnomAD v4.1: 120 of 1,612,682 alleles (0.0074%); highest among the groups gnomAD compares: East Asian, 0.11%; no homozygotes.

Submissions (4):

Labcorp Genetics (formerly Invitae), Labcorp
Classification: Likely benign. Last evaluated: 2026-01-19. Review status: criteria provided, single submitter. Criteria: Invitae Variant Classification Sherloc (09022015). Collection method: clinical testing. Allele origin: germline.

Blueprint Genetics
Classification: Likely benign. Last evaluated: 2024-11-06. Review status: criteria provided, single submitter. Criteria: ACMG Guidelines, 2015. Collection method: clinical testing. Allele origin: germline.

Illumina Laboratory Services, Illumina
Classification: Uncertain significance for Renal hypomagnesemia 4. Last evaluated: 2017-04-28. Review status: criteria provided, single submitter. Criteria: ICSL Variant Classification Criteria 13 December 2019. Collection method: clinical testing. Allele origin: germline.

PreventionGenetics, part of Exact Sciences
Classification: Likely benign for EGF-related condition. Last evaluated: 2023-05-18. Review status: no assertion criteria provided. Collection method: clinical testing. Allele origin: germline. Not counted in ClinVar's aggregate classification.
Comment: This variant is classified as likely benign based on ACMG/AMP sequence variant interpretation guidelines (Richards et al. 2015 PMID: 25741868, with internal and published modifications).

NM_001963.6(EGF):c.1821A>G (p.Pro607=)

Gene: EGF (epidermal growth factor; plus strand). Cytogenetic location: 4q25.
Variant type: single nucleotide variant.
Coding change: c.1821A>G on transcript NM_001963.6 (MANE Select); coding-DNA position 1821, A replaced by G.
Protein change: p.Pro607=; no amino-acid change (proline 607 retained).
Molecular consequence: synonymous variant.
Genome position (GRCh38, 1-based): chr4:109,974,799, A>G. VCF-style: chr4-109974799-A-G. GRCh37 (hg19) VCF-style: chr4-110895955-A-G.
Other names: c.1821A>G, p.Pro607= (NM_001178130.3); c.1695A>G, p.Pro565= (NM_001178131.3, NM_001357021.2); c.1821A>G (NM_001963.5).
Identifiers: ClinVar variation 900057 (VCV000900057.14), dbSNP rs200400376, ClinGen allele CA3043801.